The following is an entry in ClinVar:

ClinVar aggregate classification (germline): Likely benign. Review status: criteria provided, multiple submitters, no conflicts (2 of 4 stars). 2 submissions from 2 submitters: Likely benign (2). Last evaluated 2025-06-22.

Conditions:
Malignant hyperthermia, susceptibility to, 5 (MHS5). Also called: CACNA1S-Related Malignant Hyperthermia Susceptibility. Identifiers: Orphanet 423, MedGen C1866077, MONDO:0011163, OMIM 601887.
Hypokalemic periodic paralysis, type 1. Also called: Hypokalemic Periodic Paralysis Type 1 (AD); HypoPP. Identifiers: Orphanet 681, MedGen C3714580, MONDO:0042979, OMIM 170400.

Allele frequency attached by ClinVar (database versions not stated): TOPMed below 0.00001; gnomAD 0.00001.

Submissions (2):

Labcorp Genetics (formerly Invitae), Labcorp
Classification: Likely benign for Hypokalemic periodic paralysis, type 1; Malignant hyperthermia, susceptibility to, 5. Last evaluated: 2025-06-22. Review status: criteria provided, single submitter. Criteria: Invitae Variant Classification Sherloc (09022015). Collection method: clinical testing. Allele origin: germline.

All of Us Research Program, National Institutes of Health
Classification: Likely benign for Malignant hyperthermia, susceptibility to, 5. Last evaluated: 2022-11-30. Review status: criteria provided, single submitter. Criteria: ACMG Guidelines, 2015. Collection method: clinical testing. Allele origin: germline. Inheritance: Autosomal dominant inheritance. Observed: 1 variant allele, 1 heterozygote.
Comment: This study involves interpretation of variants in research participants for the purpose of population health screening. Participant phenotype was not available at the time of variant classification. Additional details can be found in publication PMID: 35346344, PMCID: PMC8962531

NM_000069.3(CACNA1S):c.2854-4G>A

Gene: CACNA1S (calcium voltage-gated channel subunit alpha1 S; minus strand). Cytogenetic location: 1q32.1.
Variant type: single nucleotide variant.
Coding change: c.2854-4G>A on transcript NM_000069.3 (MANE Select); 4 bases into the intron before coding-DNA position 2854, G replaced by A.
Molecular consequence: intron variant.
Genome position (GRCh38, 1-based): chr1:201,062,518, C>T on the plus strand (G>A on the coding strand, the complement: CACNA1S is on the minus strand). VCF-style: chr1-201062518-C-T. GRCh37 (hg19) VCF-style: chr1-201031646-C-T.
Identifiers: ClinVar variation 1669266 (VCV001669266.9), dbSNP rs1421864888, ClinGen allele CA645526273.